The following is an entry in ClinVar:

ClinVar aggregate classification (germline): Uncertain significance. Review status: criteria provided, multiple submitters, no conflicts (2 of 4 stars). 2 submissions from 2 submitters: Uncertain significance (2). Last evaluated 2023-04-10.

Conditions:
Hypercholesterolemia, autosomal dominant, 3 (FHCL3). Also called: PCSK9-Related Familial Hypercholesterolemia, Autosomal Dominant; Familial Hypercholesterolemia, Autosomal Dominant, 3; Familial hypercholesterolemia 3. Identifiers: MedGen C1863551, MONDO:0011369, OMIM 603776.

Submissions (2):

All of Us Research Program, National Institutes of Health
Classification: Uncertain significance for Hypercholesterolemia, autosomal dominant, 3. Last evaluated: 2023-04-10. Review status: criteria provided, single submitter. Criteria: ACMG Guidelines, 2015. Collection method: clinical testing. Allele origin: germline. Inheritance: Autosomal dominant inheritance. Observed: 1 variant allele, 1 heterozygote.
Comment: This missense variant replaces glutamic acid with glycine at codon 332 of the PCSK9 protein. Computational prediction suggests that this variant may have deleterious impact on protein structure and function (internally defined REVEL score threshold >= 0.7, PMID: 27666373). To our knowledge, functional studies have not been reported for this variant. This variant has not been reported in individuals affected with PCSK9-related disorders in the literature. This variant has not been identified in the general population by the Genome Aggregation Database (gnomAD). The available evidence is insufficient to determine the role of this variant in disease conclusively. Therefore, this variant is classified as a Variant of Uncertain Significance.

This study involves interpretation of variants in research participants for the purpose of population health screening. Participant phenotype was not available at the time of variant classification. Additional details can be found in publication PMID: 35346344, PMCID: PMC8962531

Labcorp Genetics (formerly Invitae), Labcorp
Classification: Uncertain significance for Hypercholesterolemia, autosomal dominant, 3. Last evaluated: 2022-10-20. Review status: criteria provided, single submitter. Criteria: Invitae Variant Classification Sherloc (09022015). Collection method: clinical testing. Allele origin: germline.
Comment: This variant is not present in population databases (gnomAD no frequency). This sequence change replaces glutamic acid, which is acidic and polar, with glycine, which is neutral and non-polar, at codon 332 of the PCSK9 protein (p.Glu332Gly). This variant has not been reported in the literature in individuals affected with PCSK9-related conditions. In summary, the available evidence is currently insufficient to determine the role of this variant in disease. Therefore, it has been classified as a Variant of Uncertain Significance. Algorithms developed to predict the effect of missense changes on protein structure and function are either unavailable or do not agree on the potential impact of this missense change (SIFT: "Deleterious"; PolyPhen-2: "Benign"; Align-GVGD: "Class C0").

NM_174936.4(PCSK9):c.995A>G (p.Glu332Gly)

Gene: PCSK9 (proprotein convertase subtilisin/kexin type 9; plus strand). Cytogenetic location: 1p32.3.
Variant type: single nucleotide variant.
Coding change: c.995A>G on transcript NM_174936.4 (MANE Select); coding-DNA position 995, A replaced by G.
Protein change: p.Glu332Gly; replaces glutamic acid 332 with glycine.
Molecular consequence: missense variant.
Genome position (GRCh38, 1-based): chr1:55,056,188, A>G. VCF-style: chr1-55056188-A-G. GRCh37 (hg19) VCF-style: chr1-55521861-A-G.
Other names: c.1118A>G, p.Glu373Gly (NM_001407240.1); c.995A>G, p.Glu332Gly (NM_001407241.1, NM_001407244.1, NM_001407247.1); c.998A>G, p.Glu333Gly (NM_001407242.1); c.938A>G, p.Glu313Gly (NM_001407243.1); c.803A>G, p.Glu268Gly (NM_001407245.1); c.620A>G, p.Glu207Gly (NM_001407246.1); short protein forms E333G, E268G, E313G, E207G, E332G, E373G.
Identifiers: ClinVar variation 2149481 (VCV002149481.5), dbSNP rs2523245900, ClinGen allele CA340475312.